The following is an entry in ClinVar:

ClinVar aggregate classification (germline): Uncertain significance (1 of 4 stars; one submission).

Conditions:
Christianson syndrome (MRXSCH). Also called: INTELLECTUAL DEVELOPMENTAL DISORDER, X-LINKED, SYNDROMIC, CHRISTIANSON TYPE; X-linked mental retardation, syndromic, Christianson type; SLC9A6-Related Syndromic Mental Retardation. Identifiers: Orphanet 85278, MedGen C2678194, MONDO:0010278, OMIM 300243.

Submission:

Labcorp Genetics (formerly Invitae), Labcorp
Classification: Uncertain significance for Christianson syndrome. Last evaluated: 2022-10-23. Review status: criteria provided, single submitter. Criteria: Invitae Variant Classification Sherloc (09022015). Collection method: clinical testing. Allele origin: germline.
Comment: In summary, the available evidence is currently insufficient to determine the role of this variant in disease. Therefore, it has been classified as a Variant of Uncertain Significance. Algorithms developed to predict the effect of missense changes on protein structure and function are either unavailable or do not agree on the potential impact of this missense change (SIFT: "Deleterious"; PolyPhen-2: "Benign"; Align-GVGD: "Class C0"). This variant has not been reported in the literature in individuals affected with SLC9A6-related conditions. This variant is not present in population databases (gnomAD no frequency). This sequence change replaces serine, which is neutral and polar, with tyrosine, which is neutral and polar, at codon 614 of the SLC9A6 protein (p.Ser614Tyr).

NM_001379110.1(SLC9A6):c.1871C>A (p.Ser624Tyr)

Gene: SLC9A6 (solute carrier family 9 member A6; plus strand). Cytogenetic location: Xq26.3.
Variant type: single nucleotide variant.
Coding change: c.1871C>A on transcript NM_001379110.1 (MANE Select); coding-DNA position 1871, C replaced by A.
Protein change: p.Ser624Tyr; replaces serine 624 with tyrosine.
Molecular consequence: missense variant.
Genome position (GRCh38, 1-based): chrX:136,044,555, C>A. VCF-style: chrX-136044555-C-A. GRCh37 (hg19) VCF-style: chrX-135126714-C-A.
Other names: c.1937C>A, p.Ser646Tyr (NM_001042537.2); c.1781C>A, p.Ser594Tyr (NM_001177651.2, NM_001400909.1, NM_001400910.1 and 2 more transcripts); c.1685C>A, p.Ser562Tyr (NM_001330652.2, NM_001400913.1); c.1841C>A, p.Ser614Tyr (NM_006359.3); short protein forms S562Y, S646Y, S624Y, S594Y, S614Y.
Identifiers: ClinVar variation 2044360 (VCV002044360.4), dbSNP rs2071566010, ClinGen allele CA414756929.
Genomic context (GRCh38, chrX:136,044,555, plus strand): 5'-ATGATGGTGACATCAGTTTGACATATGGAGATTCTACTGTGAACACTGAACCGGCCACAT[C>A]CAGCGCCCCAAGGAGATTTATGGGAAACAGTTCTGAAGATGCCTTGGATCGGGAGCTTGC-3'
Protein context (NP_001366039.1, residues 614-634): DSTVNTEPAT[Ser624Tyr]SAPRRFMGNS